The following is an entry in ClinVar:

NM_006031.6(PCNT):c.7631C>T (p.Thr2544Met)

Gene: PCNT (pericentrin; plus strand). Cytogenetic location: 21q22.3.
Variant type: single nucleotide variant.
Coding change: c.7631C>T on transcript NM_006031.6 (MANE Select); coding-DNA position 7631, C replaced by T.
Protein change: p.Thr2544Met; replaces threonine 2544 with methionine.
Molecular consequence: missense variant.
Genome position (GRCh38, 1-based): chr21:46,428,531, C>T. VCF-style: chr21-46428531-C-T. GRCh37 (hg19) VCF-style: chr21-47848445-C-T.
Other names: c.7277C>T, p.Thr2426Met (NM_001315529.2); short protein forms T2426M, T2544M.
Identifiers: ClinVar variation 3358375 (VCV003358375.1).

ClinVar aggregate classification (germline): Uncertain significance (0 of 4 stars; one submission).

Conditions:
PCNT-related disorder. Also called: PCNT-related condition.

Submission:

PreventionGenetics, part of Exact Sciences
Classification: Uncertain significance for PCNT-related condition. Last evaluated: 2024-06-14. Review status: no assertion criteria provided. Collection method: clinical testing. Allele origin: germline.
Comment: The PCNT c.7631C>T variant is predicted to result in the amino acid substitution p.Thr2544Met. To our knowledge, this variant has not been reported in the literature. This variant is reported in 0.012% of alleles in individuals of Latino descent in gnomAD. At this time, the clinical significance of this variant is uncertain due to the absence of conclusive functional and genetic evidence.